The following is an entry in ClinVar:

ClinVar aggregate classification (germline): Likely benign. Review status: criteria provided, multiple submitters, no conflicts (2 of 4 stars). 2 submissions from 2 submitters: Likely benign (2). Last evaluated 2025-10-12.

Conditions:
CHRNA3-related disorder. Also called: CHRNA3-related condition.

Allele frequency attached by ClinVar (database versions not stated): ESP Exome Variant Server 0.00015; gnomAD 0.00017; ExAC 0.00028.
gnomAD v4.1: 302 of 1,614,008 alleles (0.019%); highest among the groups gnomAD compares: Non-Finnish European, 0.021%; 1 homozygote.

Submissions (2):

Labcorp Genetics (formerly Invitae), Labcorp
Classification: Likely benign. Last evaluated: 2025-10-12. Review status: criteria provided, single submitter. Criteria: Invitae Variant Classification Sherloc (09022015). Collection method: clinical testing. Allele origin: germline.

PreventionGenetics, part of Exact Sciences
Classification: Likely benign for CHRNA3-related condition. Last evaluated: 2025-05-27. Review status: criteria provided, single submitter. Criteria: ACMG Guidelines, 2015. Collection method: clinical testing. Allele origin: germline.
Comment: This variant is classified as likely benign based on ACMG/AMP sequence variant interpretation guidelines (Richards et al. 2015 PMID: 25741868, with internal and published modifications).

NM_000743.5(CHRNA3):c.471C>T (p.Ser157=)

Gene: CHRNA3 (cholinergic receptor nicotinic alpha 3 subunit; minus strand). Cytogenetic location: 15q25.1.
Variant type: single nucleotide variant.
Coding change: c.471C>T on transcript NM_000743.5 (MANE Select); coding-DNA position 471, C replaced by T.
Protein change: p.Ser157=; no amino-acid change (serine 157 retained).
Molecular consequence: synonymous variant. On other transcripts: non-coding transcript variant (1).
Genome position (GRCh38, 1-based): chr15:78,602,171, G>A on the plus strand (C>T on the coding strand, the complement: CHRNA3 is on the minus strand). VCF-style: chr15-78602171-G-A. GRCh37 (hg19) VCF-style: chr15-78894513-G-A.
Other names: c.471C>T, p.Ser157= (NM_001166694.2); c.471C>T (NM_000743.4).
Identifiers: ClinVar variation 2159894 (VCV002159894.5), dbSNP rs143083384, ClinGen allele CA7684469.